The following is an entry in ClinVar:

ClinVar aggregate classification (germline): Pathogenic (1 of 4 stars; one submission).

Conditions:
Usher syndrome type 1 (USH1). Also called: RETINITIS PIGMENTOSA AND CONGENITAL DEAFNESS. Identifiers: Orphanet 231169, Orphanet 886, MedGen C1568247, MONDO:0010168, OMIM 276900.

Submission:

Myriad Genetics, Inc.
Classification: Pathogenic for Usher syndrome type 1. Last evaluated: 2026-04-13. Review status: criteria provided, single submitter. Criteria: Myriad Autosomal Dominant, Autosomal Recessive and X-Linked Classification Criteria (2023). Collection method: clinical testing. Allele origin: unknown.
Comment: NM_000260.3(MYO7A):c.1021_1022delCT(L341Gfs*4) is expected to be pathogenic in the context of MYO7A-related disorders. This variant is predicted to lead to an abnormal or absent protein product due to the creation of a premature termination codon in MYO7A, a gene where loss-of-function variants are known to be pathogenic. Please note: this variant was assessed in the context of healthy population screening.

NM_000260.4(MYO7A):c.1021_1022del (p.Leu341fs)

Gene: MYO7A (myosin VIIA; plus strand). Cytogenetic location: 11q13.5.
Variant type: Deletion.
Coding change: c.1021_1022del on transcript NM_000260.4 (MANE Select); coding-DNA positions 1021 to 1022, 2 bases deleted (CT; older notation c.1021_1022delCT).
Protein change: p.Leu341fs; shifts the reading frame from leucine 341.
Molecular consequence: frameshift variant.
Genome position (GRCh38, 1-based): chr11:77,159,464-77,159,465, CT deleted. VCF-style (leftmost placement, unchanged base first): chr11-77159463-CCT-C. GRCh37 (hg19) VCF-style: chr11-76870509-CCT-C.
Other names: c.1021_1022del, p.Leu341fs (NM_001127180.2); c.988_989del, p.Leu330fs (NM_001369365.1); short protein forms L330fs, L341fs.
Identifiers: ClinVar variation 5015797 (VCV005015797.1).